The following is an entry in ClinVar:

ClinVar aggregate classification (germline): Likely benign. Review status: criteria provided, multiple submitters, no conflicts (2 of 4 stars). 5 submissions from 5 submitters: Likely benign (5). Last evaluated 2025-12-26.

Conditions:
Marfan syndrome (MFS). Also called: Marfan syndrome, classic; Marfan syndrome type 1; Marfan's syndrome; FBN1-Related Marfan Syndrome; MARFAN SYNDROME, TYPE I. Identifiers: Orphanet 284963, Orphanet 558, MedGen C0024796, MONDO:0007947, OMIM 154700.
Familial thoracic aortic aneurysm and aortic dissection (TAAD). Also called: Thoracic aortic aneurysms and dissections. Identifiers: Orphanet 91387, MedGen C4707243, MONDO:0019625.

Allele frequency attached by ClinVar (database versions not stated): TOPMed 0.00004.
gnomAD v4.1: 68 of 1,613,948 alleles (0.0042%); highest among the groups gnomAD compares: Non-Finnish European, 0.0053%; no homozygotes.

Submissions (5):

Labcorp Genetics (formerly Invitae), Labcorp
Classification: Likely benign for Marfan syndrome; Familial thoracic aortic aneurysm and aortic dissection. Last evaluated: 2025-12-26. Review status: criteria provided, single submitter. Criteria: Invitae Variant Classification Sherloc (09022015). Collection method: clinical testing. Allele origin: germline.

All of Us Research Program, National Institutes of Health
Classification: Likely benign for Marfan syndrome. Last evaluated: 2023-06-28. Review status: criteria provided, single submitter. Criteria: ACMG Guidelines, 2015. Collection method: clinical testing. Allele origin: germline. Inheritance: Autosomal dominant inheritance. Observed: 2 variant alleles, 2 heterozygotes.
Comment: This study involves interpretation of variants in research participants for the purpose of population health screening. Participant phenotype was not available at the time of variant classification. Additional details can be found in publication PMID: 35346344, PMCID: PMC8962531

Blueprint Genetics
Classification: Likely benign. Last evaluated: 2022-11-17. Review status: criteria provided, single submitter. Criteria: ACMG Guidelines, 2015. Collection method: clinical testing. Allele origin: germline.

Ambry Genetics
Classification: Likely benign for Familial thoracic aortic aneurysm and aortic dissection. Last evaluated: 2022-11-04. Review status: criteria provided, single submitter. Criteria: Ambry Variant Classification Scheme 2023. Collection method: clinical testing. Allele origin: germline.

Color Diagnostics, LLC DBA Color Health
Classification: Likely benign for Familial thoracic aortic aneurysm and aortic dissection. Last evaluated: 2020-03-03. Review status: criteria provided, single submitter. Criteria: ACMG Guidelines, 2015. Collection method: clinical testing. Allele origin: germline.

NM_000138.5(FBN1):c.7050C>T (p.Ile2350=)

Gene: FBN1 (fibrillin 1; minus strand). Cytogenetic location: 15q21.1.
Variant type: single nucleotide variant.
Coding change: c.7050C>T on transcript NM_000138.5 (MANE Select); coding-DNA position 7050, C replaced by T.
Protein change: p.Ile2350=; no amino-acid change (isoleucine 2350 retained).
Molecular consequence: synonymous variant.
Genome position (GRCh38, 1-based): chr15:48,427,721, G>A on the plus strand (C>T on the coding strand, the complement: FBN1 is on the minus strand). VCF-style: chr15-48427721-G-A. GRCh37 (hg19) VCF-style: chr15-48719918-G-A.
Identifiers: ClinVar variation 928303 (VCV000928303.14), dbSNP rs772287755, ClinGen allele CA057861.